The following is an entry in ClinVar:

ClinVar aggregate classification (germline): Conflicting classifications of pathogenicity. Review status: no assertion criteria provided (0 of 4 stars). 2 submissions from 2 submitters: Pathogenic (1); Uncertain significance (1). Last evaluated 2020-12-07.

Conditions:
Vissers-Bodmer syndrome. Identifiers: MedGen C5436647, MONDO:0033618, OMIM 619033.

Allele frequency attached by ClinVar (database versions not stated): gnomAD exomes below 0.00001 and 0.00001.
gnomAD v4.1: 3 of 1,614,154 alleles (0.00019%); highest among the groups gnomAD compares: Non-Finnish European, 0.00025%; no homozygotes.

Submissions (2):

Clinical Genomics Laboratory, Stanford Medicine
Classification: Uncertain significance for Vissers-Bodmer syndrome. Last evaluated: 2020-12-07. Review status: no assertion criteria provided. Collection method: clinical testing. Allele origin: germline. Inheritance: Autosomal dominant inheritance. Affected: yes. Observed: 1 heterozygote.
Comment: The p.Arg1473Cys variant in the CNOT1 gene has been previously reported de novo in 1 individual with Vissers-Bodmersyndrome (Vissers et al., 2020). The p.Arg1473Cys variant has been identified in 1/113,550 European chromosomes by the Genome Aggregation Database. The CNOT1 gene has fewer missense variants in the general population than expected. A low rate of missense variation may suggest that this gene is intolerant to missense variation. These data were assessed using the ACMG/AMP variant interpretation guidelines. In summary, the significance of the p.Arg1473Cys variant is uncertain; however, there is suspicion that this variant could be associated with Vissers-Bodmer syndrome due to this variant being identified de novo in a published individual with features consistent with Vissers-Bodmer syndrome. Additional information is needed to resolve the significance of this variant. [ACMG evidence codes used: PM2;PP2]

OMIM
Classification: Pathogenic for VISSERS-BODMER SYNDROME. Last evaluated: 2020-09-29. Review status: no assertion criteria provided. Collection method: literature only. Allele origin: germline.

Literature cited by the submitters: PubMed 32553196 (cited by OMIM).

NM_016284.5(CNOT1):c.4432C>T (p.Arg1478Cys)

Gene: CNOT1 (CCR4-NOT transcription complex subunit 1; minus strand). Cytogenetic location: 16q21.
Variant type: single nucleotide variant.
Coding change: c.4432C>T on transcript NM_016284.5 (MANE Select); coding-DNA position 4432, C replaced by T.
Protein change: p.Arg1478Cys; replaces arginine 1478 with cysteine.
Molecular consequence: missense variant. On other transcripts: non-coding transcript variant (1).
Genome position (GRCh38, 1-based): chr16:58,543,609, G>A on the plus strand (C>T on the coding strand, the complement: CNOT1 is on the minus strand). VCF-style: chr16-58543609-G-A. GRCh37 (hg19) VCF-style: chr16-58577513-G-A.
Other names: p.Arg1473Cys; c.4417C>T (NM_001265612.1); c.4417C>T, p.Arg1473Cys (NM_001265612.2); c.4432C>T, p.Arg1478Cys (NM_206999.3); short protein forms R1478C, R1473C.
Identifiers: ClinVar variation 978824 (VCV000978824.2), dbSNP rs1567396193, ClinGen allele CA396169739.